The following is an entry in ClinVar:

NM_018117.12(WDR11):c.1336A>G (p.Ile446Val)

Gene: WDR11 (WD repeat domain 11; plus strand). Cytogenetic location: 10q26.12.
Variant type: single nucleotide variant.
Coding change: c.1336A>G on transcript NM_018117.12 (MANE Select); coding-DNA position 1336, A replaced by G.
Protein change: p.Ile446Val; replaces isoleucine 446 with valine.
Molecular consequence: missense variant.
Genome position (GRCh38, 1-based): chr10:120,871,211, A>G. VCF-style: chr10-120871211-A-G. GRCh37 (hg19) VCF-style: chr10-122630723-A-G.
Other names: short protein forms I446V.
Identifiers: ClinVar variation 1485327 (VCV001485327.3), dbSNP rs144853794, ClinGen allele CA5719700.
Genomic context (GRCh38, chr10:120,871,211, plus strand): 5'-TATTTTTATTACAAATCAGGGCAAAGTGCAATTGCTGGGGAAGAACATCCCAGAGGTTCA[A>G]TTCTGCGGGAAGTGCACCTCAAGTTCCTGCTGACGGGACTGCTTTCAGGACTGCCCGCAC-3'
Protein context (NP_060587.8, residues 436-456): IAGEEHPRGS[Ile446Val]LREVHLKFLL

ClinVar aggregate classification (germline): Uncertain significance (1 of 4 stars; one submission).

Allele frequency attached by ClinVar (database versions not stated): gnomAD exomes below 0.00001 and 0.00001; ExAC 0.00001; gnomAD 0.00001; ESP Exome Variant Server 0.00008.
gnomAD v4.1: 3 of 1,614,082 alleles (0.00019%); highest among the groups gnomAD compares: African/African-American, 0.004%; no homozygotes.

Submission:

Labcorp Genetics (formerly Invitae), Labcorp
Classification: Uncertain significance. Last evaluated: 2021-11-04. Review status: criteria provided, single submitter. Criteria: Invitae Variant Classification Sherloc (09022015). Collection method: clinical testing. Allele origin: germline.
Comment: This sequence change replaces isoleucine, which is neutral and non-polar, with valine, which is neutral and non-polar, at codon 446 of the WDR11 protein (p.Ile446Val). This variant is present in population databases (rs144853794, gnomAD 0.007%). This variant has not been reported in the literature in individuals affected with WDR11-related conditions. Algorithms developed to predict the effect of missense changes on protein structure and function output the following: SIFT: "Tolerated"; PolyPhen-2: "Benign"; Align-GVGD: "Class C0". The valine amino acid residue is found in multiple mammalian species, which suggests that this missense change does not adversely affect protein function. In summary, the available evidence is currently insufficient to determine the role of this variant in disease. Therefore, it has been classified as a Variant of Uncertain Significance.